The following is an entry in ClinVar:

ClinVar aggregate classification (germline): Benign/Likely benign. Review status: criteria provided, multiple submitters, no conflicts (2 of 4 stars). 10 submissions from 9 submitters: Benign (7); Likely benign (2). 1 of the submissions does not count toward it. Last evaluated 2026-01-29.

Conditions:
Seckel syndrome 1 (SCKL1). Also called: MICROCEPHALIC PRIMORDIAL DWARFISM I. Identifiers: Orphanet 808, MedGen C4551474, MONDO:0008869, OMIM 210600.
Familial cutaneous telangiectasia and oropharyngeal predisposition cancer syndrome. Identifiers: Orphanet 313846, MedGen C3281203, MONDO:0013806, OMIM 614564.

Allele frequency attached by ClinVar (database versions not stated): gnomAD exomes 0.00089 and 0.00223; ExAC 0.00280; gnomAD 0.00896 and 0.00964; 1000 Genomes Project 0.00958; TOPMed 0.00997; ESP Exome Variant Server 0.01023; 1000 Genomes Project 30x 0.01062.
gnomAD v4.1: 2,710 of 1,613,718 alleles (0.17%); highest among the groups gnomAD compares: African/African-American, 3.1%; 46 homozygotes.

Submissions (10):

Labcorp Genetics (formerly Invitae), Labcorp
Classification: Benign. Last evaluated: 2026-01-29. Review status: criteria provided, single submitter. Criteria: Invitae Variant Classification Sherloc (09022015). Collection method: clinical testing. Allele origin: germline.

CeGaT Center for Human Genetics Tuebingen
Classification: Benign. Last evaluated: 2025-06-01. Review status: criteria provided, single submitter. Criteria: CeGaT Center For Human Genetics Tuebingen Variant Classification Criteria Version 2. Collection method: clinical testing. Allele origin: germline. Affected: yes. Observed: 1 variant allele.
Comment: ATR: BP4, BP7, BS1, BS2

KCCC/NGS Laboratory, Kuwait Cancer Control Center
Classification: Likely benign for Familial cutaneous telangiectasia and oropharyngeal predisposition cancer syndrome. Last evaluated: 2023-07-07. Review status: criteria provided, single submitter. Criteria: ACMG Guidelines, 2015. Collection method: clinical testing. Allele origin: germline. Affected: yes.

Genome-Nilou Lab
Classification: Benign for Seckel syndrome 1. Last evaluated: 2023-02-08. Review status: criteria provided, single submitter. Criteria: ACMG Guidelines, 2015. Collection method: clinical testing. Allele origin: germline.

Genome-Nilou Lab
Classification: Benign for Familial cutaneous telangiectasia and oropharyngeal predisposition cancer syndrome. Last evaluated: 2023-02-08. Review status: criteria provided, single submitter. Criteria: ACMG Guidelines, 2015. Collection method: clinical testing. Allele origin: germline.

Fulgent Genetics
Classification: Likely benign for Seckel syndrome 1; Familial cutaneous telangiectasia and oropharyngeal predisposition cancer syndrome. Last evaluated: 2022-01-13. Review status: criteria provided, single submitter. Criteria: ACMG Guidelines, 2015. Collection method: clinical testing. Allele origin: unknown.

Illumina Laboratory Services, Illumina
Classification: Benign for Seckel syndrome 1. Last evaluated: 2018-01-13. Review status: criteria provided, single submitter. Criteria: ICSL Variant Classification Criteria 13 December 2019. Collection method: clinical testing. Allele origin: germline.
Comment: This variant was observed in the ICSL laboratory as part of a predisposition screen in an ostensibly healthy population. It had not been previously curated by ICSL or reported in the Human Gene Mutation Database (HGMD: prior to June 1st, 2018), and was therefore a candidate for classification through an automated scoring system. Utilizing variant allele frequency, disease prevalence and penetrance estimates, and inheritance mode, an automated score was calculated to assess if this variant is too frequent to cause the disease. Based on the score and internal cut-off values, a variant classified as benign is not then subjected to further curation. The score for this variant resulted in a classification of benign for this disease.

GeneDx
Classification: Benign. Last evaluated: 2015-03-03. Review status: criteria provided, single submitter. Criteria: GeneDx Variant Classification Process June 2021. Collection method: clinical testing. Allele origin: germline. Affected: yes.

Breakthrough Genomics
Classification: Benign. Review status: criteria provided, single submitter. Criteria: ACMG Guidelines, 2015. Collection method: not provided. Allele origin: germline. Inheritance: Autosomal recessive inheritance. Affected: yes.

Genetic Services Laboratory, University of Chicago
Classification: Likely benign. Review status: no assertion criteria provided. Collection method: clinical testing. Allele origin: germline. Inheritance: Autosomal recessive inheritance. Not counted in ClinVar's aggregate classification.
Comment: Likely benign based on allele frequency in 1000 Genomes Project or ESP global frequency and its presence in a patient with a rare or unrelated disease phenotype. NOT Sanger confirmed

NM_001184.4(ATR):c.6339A>G (p.Val2113=)

Gene: ATR (ATR checkpoint kinase; minus strand). Cytogenetic location: 3q23.
Variant type: single nucleotide variant.
Coding change: c.6339A>G on transcript NM_001184.4 (MANE Select); coding-DNA position 6339, A replaced by G.
Protein change: p.Val2113=; no amino-acid change (valine 2113 retained).
Molecular consequence: synonymous variant.
Genome position (GRCh38, 1-based): chr3:142,469,550, T>C on the plus strand (A>G on the coding strand, the complement: ATR is on the minus strand). VCF-style: chr3-142469550-T-C. GRCh37 (hg19) VCF-style: chr3-142188392-T-C.
Other names: c.6147A>G, p.Val2049= (NM_001354579.2).
Identifiers: ClinVar variation 157999 (VCV000157999.31), dbSNP rs7635479, ClinGen allele CA171376.